The following is an entry in ClinVar:

NM_001220.5(CAMK2B):c.651G>A (p.Glu217=)

Gene: CAMK2B (calcium/calmodulin dependent protein kinase II beta; minus strand). Cytogenetic location: 7p13.
Variant type: single nucleotide variant.
Coding change: c.651G>A on transcript NM_001220.5 (MANE Select); coding-DNA position 651, G replaced by A.
Protein change: p.Glu217=; no amino-acid change (glutamic acid 217 retained).
Molecular consequence: synonymous variant.
Genome position (GRCh38, 1-based): chr7:44,242,605, C>T on the plus strand (G>A on the coding strand, the complement: CAMK2B is on the minus strand). VCF-style: chr7-44242605-C-T. GRCh37 (hg19) VCF-style: chr7-44282204-C-T.
Other names: c.651G>A, p.Glu217= (NM_001293170.2, NM_172078.3, NM_172079.3 and 5 more transcripts).
Identifiers: ClinVar variation 1167664 (VCV001167664.35), dbSNP rs56291919, ClinGen allele CA4240635.

ClinVar aggregate classification (germline): Benign/Likely benign. Review status: criteria provided, multiple submitters, no conflicts (2 of 4 stars). 4 submissions from 4 submitters: Benign (1); Likely benign (3). Last evaluated 2026-04-01.

Conditions:
Intellectual developmental disorder, autosomal dominant 54. Also called: MENTAL RETARDATION, AUTOSOMAL DOMINANT 54; Intellectual disability, autosomal dominant 54. Identifiers: MedGen C4540484, MONDO:0030920, OMIM 617799.

Allele frequency attached by ClinVar (database versions not stated): gnomAD exomes 0.00040 and 0.00097; ExAC 0.00142; ESP Exome Variant Server 0.00392; 1000 Genomes Project 0.00399; 1000 Genomes Project 30x 0.00406; gnomAD 0.00411 and 0.00433; TOPMed 0.00470.
gnomAD v4.1: 1,218 of 1,612,564 alleles (0.076%); highest among the groups gnomAD compares: African/African-American, 1.4%; 9 homozygotes.

Submissions (4):

CeGaT Center for Human Genetics Tuebingen
Classification: Likely benign. Last evaluated: 2026-04-01. Review status: criteria provided, single submitter. Criteria: CeGaT Center For Human Genetics Tuebingen Variant Classification Criteria Version 2. Collection method: clinical testing. Allele origin: germline. Affected: yes. Observed: 7 variant alleles.
Comment: CAMK2B: BP4, BP7, BS1

Labcorp Genetics (formerly Invitae), Labcorp
Classification: Benign. Last evaluated: 2026-01-31. Review status: criteria provided, single submitter. Criteria: Invitae Variant Classification Sherloc (09022015). Collection method: clinical testing. Allele origin: germline.

Blueprint Genetics
Classification: Likely benign. Last evaluated: 2024-10-16. Review status: criteria provided, single submitter. Criteria: ACMG Guidelines, 2015. Collection method: clinical testing. Allele origin: germline.

Fulgent Genetics
Classification: Likely benign for Intellectual developmental disorder, autosomal dominant 54. Last evaluated: 2022-05-11. Review status: criteria provided, single submitter. Criteria: ACMG Guidelines, 2015. Collection method: clinical testing. Allele origin: unknown.